The following is an entry in ClinVar:

NM_001042492.3(NF1):c.3257del (p.Gln1086fs)

Gene: NF1 (neurofibromin 1; plus strand). Cytogenetic location: 17q11.2.
Variant type: Deletion.
Coding change: c.3257del on transcript NM_001042492.3 (MANE Select); coding-DNA position 3257, one base deleted (A; older notation c.3257delA).
Protein change: p.Gln1086fs; shifts the reading frame from glutamine 1086.
Molecular consequence: frameshift variant.
Genome position (GRCh38, 1-based): chr17:31,232,132, A deleted. VCF-style (leftmost placement, unchanged base first): chr17-31232131-CA-C. GRCh37 (hg19) VCF-style: chr17-29559149-CA-C.
Other names: c.3257delA, p.Gln1086Argfs (NM_000267.4); short protein forms Q1086fs.
Identifiers: ClinVar variation 2004916 (VCV002004916.4), dbSNP rs2508224307, ClinGen allele CA2580092963.

ClinVar aggregate classification (germline): Pathogenic (1 of 4 stars; one submission).

Conditions:
Neurofibromatosis, type 1 (NF1). Also called: Neurofibromatosis, type I; Peripheral type neurofibromatosis; NEUROFIBROMATOSIS, TYPE I, SOMATIC; VON RECKLINGHAUSEN DISEASE. Identifiers: Orphanet 636, MedGen C0027831, MONDO:0018975, OMIM 162200. Disease mechanism: loss of function.

Submission:

Labcorp Genetics (formerly Invitae), Labcorp
Classification: Pathogenic for Neurofibromatosis, type 1. Last evaluated: 2022-06-11. Review status: criteria provided, single submitter. Criteria: Invitae Variant Classification Sherloc (09022015). Collection method: clinical testing. Allele origin: germline.
Comment: For these reasons, this variant has been classified as Pathogenic. This variant has not been reported in the literature in individuals affected with NF1-related conditions. This variant is not present in population databases (gnomAD no frequency). This sequence change creates a premature translational stop signal (p.Gln1086Argfs*10) in the NF1 gene. It is expected to result in an absent or disrupted protein product. Loss-of-function variants in NF1 are known to be pathogenic (PMID: 10712197, 23913538).

Literature cited by the submitters: PubMed 10712197; PubMed 23913538.